The following is an entry in ClinVar:

NM_001042492.3(NF1):c.4481A>T (p.His1494Leu)

Gene: NF1 (neurofibromin 1; plus strand). Cytogenetic location: 17q11.2.
Variant type: single nucleotide variant.
Coding change: c.4481A>T on transcript NM_001042492.3 (MANE Select); coding-DNA position 4481, A replaced by T.
Protein change: p.His1494Leu; replaces histidine 1494 with leucine.
Molecular consequence: missense variant.
Genome position (GRCh38, 1-based): chr17:31,260,419, A>T. VCF-style: chr17-31260419-A-T. GRCh37 (hg19) VCF-style: chr17-29587437-A-T.
Other names: c.4418A>T, p.His1473Leu (NM_000267.4); short protein forms H1473L, H1494L.
Identifiers: ClinVar variation 561719 (VCV000561719.1), dbSNP rs769417700, ClinGen allele CA398999403.
Genomic context (GRCh38, chr17:31,260,419, plus strand): 5'-ATTTTTGAAGGTTTTTCCTTGATATAGCATCTGATTGTCCTACAAGTGATGCAGTAAATC[A>T]TAGTCTTTCCTTCATAAGTGACGGCAATGTGCTTGCTTTACATCGTCTACTCTGGAACAA-3'
Protein context (NP_001035957.1, residues 1484-1504): SDCPTSDAVN[His1494Leu]SLSFISDGNV

ClinVar aggregate classification (germline): Uncertain significance (1 of 4 stars; one submission).

Submission:

GeneDx
Classification: Uncertain significance. Last evaluated: 2018-01-18. Review status: criteria provided, single submitter. Criteria: GeneDx Variant Classification (06012015). Collection method: clinical testing. Allele origin: germline. Affected: yes.
Comment: This variant is denoted NF1 c.4418A>T at the cDNA level, p.His1473Leu (H1473L) at the protein level, and results in the change of a Histidine to a Leucine (CAT>CTT). This variant has not, to our knowledge, been published in the literature as pathogenic or benign. NF1 His1473Leu was not observed in large population cohorts (Lek 2016). This variant is located in the GTPase activating protein domain (Thomas 2012). In-silico analysis, which includes protein predictors and evolutionary conservation, supports a deleterious effect. Based on currently available evidence, it is unclear whether NF1 His1473Leu is a pathogenic or benign variant. We consider it to be a variant of uncertain significance.